The following is an entry in ClinVar:

ClinVar aggregate classification (germline): Likely benign. Review status: criteria provided, multiple submitters, no conflicts (2 of 4 stars). 3 submissions from 3 submitters: Likely benign (2). 1 of the submissions does not count toward it. Last evaluated 2025-10-04.

Conditions:
CACNA1E-related disorder. Also called: CACNA1E-related condition.

Allele frequency attached by ClinVar (database versions not stated): 1000 Genomes Project 30x 0.00016.
gnomAD v4.1: 143 of 1,592,128 alleles (0.009%); highest among the groups gnomAD compares: Non-Finnish European, 0.011%; no homozygotes.

Submissions (3):

Labcorp Genetics (formerly Invitae), Labcorp
Classification: Likely benign. Last evaluated: 2025-10-04. Review status: criteria provided, single submitter. Criteria: Invitae Variant Classification Sherloc (09022015). Collection method: clinical testing. Allele origin: germline.

Blueprint Genetics
Classification: Likely benign. Last evaluated: 2024-06-10. Review status: criteria provided, single submitter. Criteria: ACMG Guidelines, 2015. Collection method: clinical testing. Allele origin: germline.

PreventionGenetics, part of Exact Sciences
Classification: Likely benign for CACNA1E-related condition. Last evaluated: 2019-09-25. Review status: no assertion criteria provided. Collection method: clinical testing. Allele origin: germline. Not counted in ClinVar's aggregate classification.
Comment: This variant is classified as likely benign based on ACMG/AMP sequence variant interpretation guidelines (Richards et al. 2015 PMID: 25741868, with internal and published modifications).

NM_001205293.3(CACNA1E):c.1215C>T (p.Ser405=)

Gene: CACNA1E (calcium voltage-gated channel subunit alpha1 E; plus strand). Cytogenetic location: 1q25.3.
Variant type: single nucleotide variant.
Coding change: c.1215C>T on transcript NM_001205293.3 (MANE Select); coding-DNA position 1215, C replaced by T.
Protein change: p.Ser405=; no amino-acid change (serine 405 retained).
Molecular consequence: synonymous variant.
Genome position (GRCh38, 1-based): chr1:181,715,381, C>T. VCF-style: chr1-181715381-C-T. GRCh37 (hg19) VCF-style: chr1-181684517-C-T.
Other names: c.1215C>T (NM_000721.3); c.1215C>T, p.Ser405= (NM_000721.4, NM_001205294.2).
Identifiers: ClinVar variation 1546316 (VCV001546316.11), dbSNP rs35265801, ClinGen allele CA1275070.
Genomic context (GRCh38, chr1:181,715,381, plus strand): 5'-CATTTGTTTCCATATAGAGGAAGTCATGCTCGCTGAAGAAAATAAAAATGCTGGAACATC[C>T]GCCTTAGAAGGTAAGGAAATGTTCTGATGCCTTATTCCAGTTGCATTTGCCCCTCTTAGG-3'
Protein context (NP_001192222.1, residues 395-415): LAEENKNAGT[Ser405=]ALEVLRRATI